The following is an entry in ClinVar:

ClinVar aggregate classification (germline): Uncertain significance. Review status: criteria provided, multiple submitters, no conflicts (2 of 4 stars). 2 submissions from 2 submitters: Uncertain significance (2). Last evaluated 2025-10-18.

Conditions:
Inborn genetic diseases. Identifiers: MedGen C0950123, MeSH D030342.

Allele frequency attached by ClinVar (database versions not stated): gnomAD exomes below 0.00001.
gnomAD v4.1: 1 of 1,612,734 alleles (0.000062%); highest among the groups gnomAD compares: Non-Finnish European, 0.000085%; no homozygotes.

Submissions (2):

Ambry Genetics
Classification: Uncertain significance for Inborn genetic diseases. Last evaluated: 2025-10-18. Review status: criteria provided, single submitter. Criteria: Ambry Variant Classification Scheme 2023. Collection method: clinical testing. Allele origin: germline.

Labcorp Genetics (formerly Invitae), Labcorp
Classification: Uncertain significance. Last evaluated: 2024-11-05. Review status: criteria provided, single submitter. Criteria: Invitae Variant Classification Sherloc (09022015). Collection method: clinical testing. Allele origin: germline.
Comment: This sequence change replaces histidine, which is basic and polar, with tyrosine, which is neutral and polar, at codon 804 of the CLCN2 protein (p.His804Tyr). This variant is not present in population databases (gnomAD no frequency). This variant has not been reported in the literature in individuals affected with CLCN2-related conditions. ClinVar contains an entry for this variant (Variation ID: 2050633). Invitae Evidence Modeling of protein sequence and biophysical properties (such as structural, functional, and spatial information, amino acid conservation, physicochemical variation, residue mobility, and thermodynamic stability) indicates that this missense variant is not expected to disrupt CLCN2 protein function with a negative predictive value of 80%. In summary, the available evidence is currently insufficient to determine the role of this variant in disease. Therefore, it has been classified as a Variant of Uncertain Significance.

NM_004366.6(CLCN2):c.2410C>T (p.His804Tyr)

Gene: CLCN2 (chloride voltage-gated channel 2; minus strand). Cytogenetic location: 3q27.1.
Variant type: single nucleotide variant.
Coding change: c.2410C>T on transcript NM_004366.6 (MANE Select); coding-DNA position 2410, C replaced by T.
Protein change: p.His804Tyr; replaces histidine 804 with tyrosine.
Molecular consequence: missense variant.
Genome position (GRCh38, 1-based): chr3:184,352,018, G>A on the plus strand (C>T on the coding strand, the complement: CLCN2 is on the minus strand). VCF-style: chr3-184352018-G-A. GRCh37 (hg19) VCF-style: chr3-184069806-G-A.
Other names: c.2410C>T (NM_004366.4); c.2359C>T, p.His787Tyr (NM_001171087.3); c.2278C>T, p.His760Tyr (NM_001171088.3); c.2410C>T, p.His804Tyr (NM_001171089.3); short protein forms H804Y, H787Y, H760Y.
Identifiers: ClinVar variation 2050633 (VCV002050633.5), dbSNP rs898521866, ClinGen allele CA88890775.